The following is an entry in ClinVar:

ClinVar aggregate classification (germline): Pathogenic (1 of 4 stars; one submission).

Conditions:
Familial focal epilepsy with variable foci (FPEVF). Identifiers: Orphanet 98820, MedGen C1858477, MONDO:0020310.

Submission:

Labcorp Genetics (formerly Invitae), Labcorp
Classification: Pathogenic for Familial focal epilepsy with variable foci. Last evaluated: 2024-01-15. Review status: criteria provided, single submitter. Criteria: Invitae Variant Classification Sherloc (09022015). Collection method: clinical testing. Allele origin: germline.
Comment: This sequence change creates a premature translational stop signal (p.Val1544Serfs*30) in the DEPDC5 gene. While this is not anticipated to result in nonsense mediated decay, it is expected to disrupt the last 60 amino acid(s) of the DEPDC5 protein. This variant is not present in population databases (gnomAD no frequency). This premature translational stop signal has been observed in individual(s) with autosomal dominant nocturnal frontal lobe epilepsy (Invitae). ClinVar contains an entry for this variant (Variation ID: 570633). This variant disrupts a region of the DEPDC5 protein in which other variant(s) (p.Asp1565*) have been determined to be pathogenic (PMID: 28549235). This suggests that this is a clinically significant region of the protein, and that variants that disrupt it are likely to be disease-causing. For these reasons, this variant has been classified as Pathogenic.

Literature cited by the submitters: PubMed 28549235.

NM_001242896.3(DEPDC5):c.4630del (p.Val1544fs)

Gene: DEPDC5 (DEP domain containing 5, GATOR1 subcomplex subunit; plus strand). Cytogenetic location: 22q12.3.
Variant type: Deletion.
Coding change: c.4630del on transcript NM_001242896.3 (MANE Select); coding-DNA position 4630, one base deleted (G; older notation c.4630delG).
Protein change: p.Val1544fs; shifts the reading frame from valine 1544.
Molecular consequence: frameshift variant. On other transcripts: non-coding transcript variant (5).
Genome position (GRCh38, 1-based): chr22:31,906,315, G deleted; the last of 3 consecutive G bases (chr22:31,906,313-31,906,315); deleting any one gives the same sequence. VCF-style (leftmost placement, unchanged base first): chr22-31906312-CG-C. GRCh37 (hg19) VCF-style: chr22-32302298-CG-C.
Other names: c.4603del, p.Val1535fs (NM_001136029.4); c.4330del, p.Val1444fs (NM_001242897.2); c.4564del, p.Val1522fs (NM_001363852.2, NM_001364320.2); c.4396del, p.Val1466fs (NM_001363854.2, NM_001364319.2); c.4630del, p.Val1544fs (NM_001364318.2); c.4546del, p.Val1516fs (NM_001369901.1, NM_001369902.1); c.4537del, p.Val1513fs (NM_001369903.1, NM_014662.6); short protein forms V1513fs, V1522fs, V1544fs, V1444fs, V1535fs, V1466fs, V1516fs.
Identifiers: ClinVar variation 570633 (VCV000570633.10), dbSNP rs1569255443, ClinGen allele CA891844543.